The following is an entry in ClinVar:

ClinVar aggregate classification (germline): Uncertain significance (1 of 4 stars; one submission).

Conditions:
Lymphatic malformation 7 (LMPHM7). Also called: Hydrops fetalis, nonimmune, and/or atrial septal defect, susceptibility to. Identifiers: MedGen C4310629, MONDO:0015009, OMIM 617300.
Capillary malformation-arteriovenous malformation 2 (CMAVM2). Identifiers: Orphanet 693912, MedGen C4748670, MONDO:0020785, OMIM 618196.

gnomAD v4.1: 21 of 1,613,372 alleles (0.0013%); highest among the groups gnomAD compares: East Asian, 0.0022%; no homozygotes.

Submission:

Clinical Genomics Laboratory, Washington University in St. Louis
Classification: Uncertain significance for Capillary malformation-arteriovenous malformation 2; Lymphatic malformation 7. Last evaluated: 2025-11-05. Review status: criteria provided, single submitter. Criteria: ACMG Guidelines, 2015. Collection method: clinical testing. Allele origin: germline.
Comment: An EPHB4 c.266C>T (p.Thr89Met) variant was identified at a heterozygous allelic fraction of 50.2%, a frequency which may be consistent with it being of germline origin. (Sun, Y et al., Journal of Vascular Anomalies 4(3):p e052, September 2023). It is observed on 21/1,613,372 alleles in the general population (gnomAD v4.1.0). Computational predictors suggest that the variant does not impact EPHB4 function. Due to limited information, and based on ACMG/AMP guidelines for variant interpretation (Richards S et al., PMID: 25741868), the clinical significance of this variant is uncertain at this time.

Literature cited by the submitters: uncertain.

NM_004444.5(EPHB4):c.266C>T (p.Thr89Met)

Gene: EPHB4 (EPH receptor B4; minus strand). Cytogenetic location: 7q22.1.
Variant type: single nucleotide variant.
Coding change: c.266C>T on transcript NM_004444.5 (MANE Select); coding-DNA position 266, C replaced by T.
Protein change: p.Thr89Met; replaces threonine 89 with methionine.
Molecular consequence: missense variant.
Genome position (GRCh38, 1-based): chr7:100,823,789, G>A on the plus strand (C>T on the coding strand, the complement: EPHB4 is on the minus strand). VCF-style: chr7-100823789-G-A. GRCh37 (hg19) VCF-style: chr7-100421411-G-A.
Other names: short protein forms T89M.
Identifiers: ClinVar variation 4974678 (VCV004974678.1).